The following is an entry in ClinVar:

ClinVar aggregate classification (germline): Uncertain significance (1 of 4 stars; one submission).

Conditions:
Achondrogenesis, type IA (ACG1A). Identifiers: Orphanet 932, Orphanet 93299, MedGen C0265273, MONDO:0008701, OMIM 200600.

Submission:

Labcorp Genetics (formerly Invitae), Labcorp
Classification: Uncertain significance for Achondrogenesis, type IA. Last evaluated: 2023-07-07. Review status: criteria provided, single submitter. Criteria: Invitae Variant Classification Sherloc (09022015). Collection method: clinical testing. Allele origin: germline.
Comment: In summary, the available evidence is currently insufficient to determine the role of this variant in disease. Therefore, it has been classified as a Variant of Uncertain Significance. Experimental studies and prediction algorithms are not available or were not evaluated, and the functional significance of this variant is currently unknown. ClinVar contains an entry for this variant (Variation ID: 2141052). This variant has not been reported in the literature in individuals affected with TRIP11-related conditions. This variant is present in population databases (rs754314686, gnomAD 0.004%). This variant, c.2444_2455del, results in the deletion of 4 amino acid(s) of the TRIP11 protein (p.Ile815_Glu818del), but otherwise preserves the integrity of the reading frame.

NM_004239.4(TRIP11):c.2444_2455del (p.Ile815_Glu818del)

Gene: TRIP11 (thyroid hormone receptor interactor 11; minus strand). Cytogenetic location: 14q32.12.
Variant type: Deletion.
Coding change: c.2444_2455del on transcript NM_004239.4 (MANE Select); coding-DNA positions 2444 to 2455, 12 bases deleted (TTTTTATTGAAA).
Protein change: p.Ile815_Glu818del.
Molecular consequence: inframe deletion.
Genome position (GRCh38, 1-based): chr14:92,005,521-92,005,532, TTTCAATAAAAA deleted on the plus strand (TTTTTATTGAAA on the coding strand, the reverse complement: TRIP11 is on the minus strand); deleting any 12 consecutive bases within chr14:92,005,521-92,005,536 gives the same sequence; the c. name uses the placement nearest the transcript's 3' end. VCF-style (leftmost placement, unchanged base first): chr14-92005520-TTTTCAATAAAAA-T. GRCh37 (hg19) VCF-style: chr14-92471864-TTTTCAATAAAAA-T.
Other names: c.2441_2452del, p.Ile814_Glu817del (NM_001321851.1).
Identifiers: ClinVar variation 2141052 (VCV002141052.4), dbSNP rs754314686, ClinGen allele CA7313774.